The following is an entry in ClinVar:

ClinVar aggregate classification (germline): Conflicting classifications of pathogenicity. Review status: criteria provided, conflicting classifications (1 of 4 stars). 2 submissions from 2 submitters: Likely pathogenic (1); Uncertain significance (1). Last evaluated 2026-03-24.

Conditions:
BSN-associated neurodevelopmental disorder.

gnomAD v4.1: 1 of 1,613,920 alleles (0.000062%); highest among the groups gnomAD compares: Non-Finnish European, 0.000085%; no homozygotes.

Submissions (2):

Institute of Human Genetics, University of Leipzig Medical Center
Classification: Likely pathogenic for BSN-associated neurodevelopmental disorder. Last evaluated: 2026-03-24. Review status: criteria provided, single submitter. Criteria: ACMG Guidelines, 2015. Collection method: clinical testing. Allele origin: unknown. Inheritance: Autosomal dominant inheritance. Affected: yes.
Comment: Criteria applied: PVS1,PM2_SUP

GeneDx
Classification: Uncertain significance. Last evaluated: 2025-07-28. Review status: criteria provided, single submitter. Criteria: GeneDx Variant Classification Process June 2021. Collection method: clinical testing. Allele origin: germline. Affected: yes.
Comment: Not observed at significant frequency in large population cohorts (gnomAD); Nonsense variant predicted to result in protein truncation or nonsense mediated decay in a gene or region of a gene for which loss of function is not a well-established mechanism of disease; Has not been previously published as pathogenic or benign to our knowledge

Literature cited by the submitters: PubMed 39990563 (cited by Institute of Human Genetics, University of Leipzig Medical Center).

NM_003458.4(BSN):c.4003C>T (p.Arg1335Ter)

Gene: BSN (bassoon presynaptic cytomatrix protein; plus strand). Cytogenetic location: 3p21.31.
Variant type: single nucleotide variant.
Coding change: c.4003C>T on transcript NM_003458.4 (MANE Select); coding-DNA position 4003, C replaced by T.
Protein change: p.Arg1335Ter; replaces arginine 1335 with a stop codon.
Molecular consequence: nonsense.
Genome position (GRCh38, 1-based): chr3:49,653,559, C>T. VCF-style: chr3-49653559-C-T. GRCh37 (hg19) VCF-style: chr3-49690992-C-T.
Other names: short protein forms R1335*.
Identifiers: ClinVar variation 4689870 (VCV004689870.1).